The following is an entry in ClinVar:

ClinVar aggregate classification (germline): Uncertain significance (1 of 4 stars; one submission).

Conditions:
Catecholaminergic polymorphic ventricular tachycardia 1. Also called: VENTRICULAR TACHYCARDIA, STRESS-INDUCED POLYMORPHIC 1; VENTRICULAR TACHYCARDIA, CATECHOLAMINERGIC POLYMORPHIC, 1, WITH OR WITHOUT ATRIAL DYSFUNCTION AND/OR DILATED CARDIOMYOPATHY; RYR2-Related Catecholaminergic Polymorphic Ventricular Tachycardia. Identifiers: Orphanet 3286, MedGen C1631597, MONDO:0011484, OMIM 604772.

gnomAD v4.1: 5 of 1,544,650 alleles (0.00032%); highest among the groups gnomAD compares: African/African-American, 0.0027%; no homozygotes.

Submission:

Labcorp Genetics (formerly Invitae), Labcorp
Classification: Uncertain significance for Catecholaminergic polymorphic ventricular tachycardia 1. Last evaluated: 2024-06-08. Review status: criteria provided, single submitter. Criteria: Invitae Variant Classification Sherloc (09022015). Collection method: clinical testing. Allele origin: germline.
Comment: This sequence change replaces isoleucine, which is neutral and non-polar, with valine, which is neutral and non-polar, at codon 387 of the RYR2 protein (p.Ile387Val). This variant is not present in population databases (gnomAD no frequency). This variant has not been reported in the literature in individuals affected with RYR2-related conditions. Advanced modeling of protein sequence and biophysical properties (such as structural, functional, and spatial information, amino acid conservation, physicochemical variation, residue mobility, and thermodynamic stability) performed at Invitae indicates that this missense variant is not expected to disrupt RYR2 protein function with a negative predictive value of 95%. In summary, the available evidence is currently insufficient to determine the role of this variant in disease. Therefore, it has been classified as a Variant of Uncertain Significance.

NM_001035.3(RYR2):c.1159A>G (p.Ile387Val)

Gene: RYR2 (ryanodine receptor 2; plus strand). Cytogenetic location: 1q43.
Variant type: single nucleotide variant.
Coding change: c.1159A>G on transcript NM_001035.3 (MANE Select); coding-DNA position 1159, A replaced by G.
Protein change: p.Ile387Val; replaces isoleucine 387 with valine.
Molecular consequence: missense variant.
Genome position (GRCh38, 1-based): chr1:237,441,472, A>G. VCF-style: chr1-237441472-A-G. GRCh37 (hg19) VCF-style: chr1-237604772-A-G.
Other names: short protein forms I387V.
Identifiers: ClinVar variation 3707609 (VCV003707609.2).